The following is an entry in ClinVar:

ClinVar aggregate classification (germline): Uncertain significance. Review status: criteria provided, multiple submitters, no conflicts (2 of 4 stars). 2 submissions from 2 submitters: Uncertain significance (2). Last evaluated 2025-10-01.

Conditions:
PKHD1-related disorder. Also called: PKHD1-related condition.

Allele frequency attached by ClinVar (database versions not stated): TOPMed below 0.00001; gnomAD 0.00001; ExAC 0.00002; gnomAD exomes 0.00003.
gnomAD v4.1: 46 of 1,610,474 alleles (0.0029%); highest among the groups gnomAD compares: Non-Finnish European, 0.0037%; no homozygotes.

Submissions (2):

CeGaT Center for Human Genetics Tuebingen
Classification: Uncertain significance. Last evaluated: 2025-10-01. Review status: criteria provided, single submitter. Criteria: CeGaT Center For Human Genetics Tuebingen Variant Classification Criteria Version 2. Collection method: clinical testing. Allele origin: germline. Affected: yes. Observed: 1 variant allele.
Comment: PKHD1: PM2, BP4

PreventionGenetics, part of Exact Sciences
Classification: Uncertain significance for PKHD1-related condition. Last evaluated: 2023-06-22. Review status: criteria provided, single submitter. Criteria: ACMG Guidelines, 2015. Collection method: clinical testing. Allele origin: germline.
Comment: The PKHD1 c.3302C>T variant is predicted to result in the amino acid substitution p.Thr1101Ile. To our knowledge, this variant has not been reported in the literature. This variant is reported in 0.0023% of alleles in individuals of European (Non-Finnish) descent in gnomAD. At this time, the clinical significance of this variant is uncertain due to the absence of conclusive functional and genetic evidence.

NM_138694.4(PKHD1):c.3302C>T (p.Thr1101Ile)

Gene: PKHD1 (PKHD1 ciliary IPT domain containing fibrocystin/polyductin; minus strand). Cytogenetic location: 6p12.2.
Variant type: single nucleotide variant.
Coding change: c.3302C>T on transcript NM_138694.4 (MANE Select); coding-DNA position 3302, C replaced by T.
Protein change: p.Thr1101Ile; replaces threonine 1101 with isoleucine.
Molecular consequence: missense variant.
Genome position (GRCh38, 1-based): chr6:52,033,092, G>A on the plus strand (C>T on the coding strand, the complement: PKHD1 is on the minus strand). VCF-style: chr6-52033092-G-A. GRCh37 (hg19) VCF-style: chr6-51897890-G-A.
Other names: c.3302C>T, p.Thr1101Ile (NM_170724.3); short protein forms T1101I.
Identifiers: ClinVar variation 2631870 (VCV002631870.8), dbSNP rs766090868, ClinGen allele CA3852984.